The following is an entry in ClinVar:

ClinVar aggregate classification (germline): Benign. Review status: criteria provided, single submitter (1 of 4 stars). 2 submissions from 2 submitters: Benign (1). 1 of the submissions does not count toward it. Last evaluated 2025-12-29.

Conditions:
ACTN1-related disorder. Also called: ACTN1-related condition.

Allele frequency attached by ClinVar (database versions not stated): 1000 Genomes Project 30x 0.00141; 1000 Genomes Project 0.00160; ESP Exome Variant Server 0.00023; TOPMed 0.00034.
gnomAD v4.1: 1,415 of 1,613,596 alleles (0.088%); highest among the groups gnomAD compares: South Asian, 0.9%; 20 homozygotes.

Submissions (2):

Labcorp Genetics (formerly Invitae), Labcorp
Classification: Benign. Last evaluated: 2025-12-29. Review status: criteria provided, single submitter. Criteria: Invitae Variant Classification Sherloc (09022015). Collection method: clinical testing. Allele origin: germline.

PreventionGenetics, part of Exact Sciences
Classification: Likely benign for ACTN1-related condition. Last evaluated: 2024-05-15. Review status: no assertion criteria provided. Collection method: clinical testing. Allele origin: germline. Not counted in ClinVar's aggregate classification.
Comment: This variant is classified as likely benign based on ACMG/AMP sequence variant interpretation guidelines (Richards et al. 2015 PMID: 25741868, with internal and published modifications).

NM_001130004.2(ACTN1):c.885G>A (p.Pro295=)

Gene: ACTN1 (actinin alpha 1; minus strand). Cytogenetic location: 14q24.1.
Variant type: single nucleotide variant.
Coding change: c.885G>A on transcript NM_001130004.2 (MANE Select); coding-DNA position 885, G replaced by A.
Protein change: p.Pro295=; no amino-acid change (proline 295 retained).
Molecular consequence: synonymous variant.
Genome position (GRCh38, 1-based): chr14:68,892,254, C>T on the plus strand (G>A on the coding strand, the complement: ACTN1 is on the minus strand). VCF-style: chr14-68892254-C-T. GRCh37 (hg19) VCF-style: chr14-69358971-C-T.
Other names: c.885G>A, p.Pro295= (NM_001102.4, NM_001130005.2, NM_001411035.1); c.690G>A, p.Pro230= (NM_001411036.1).
Identifiers: ClinVar variation 2046272 (VCV002046272.5), dbSNP rs139710798, ClinGen allele CA7242514.